The following is an entry in ClinVar:

NC_000008.10:g.(?_100479254)_(100479653_?)del

Gene: VPS13B (vacuolar protein sorting 13 homolog B; plus strand). Cytogenetic location: 8q22.2.
Variant type: Deletion.
Identifiers: ClinVar variation 3245478 (VCV003245478.1).

ClinVar aggregate classification (germline): Likely pathogenic (1 of 4 stars; one submission).

Conditions:
Cohen syndrome (COH1). Also called: Cutis verticis gyrata, retinitis pigmentosa, and sensorineural deafness; PEPPER SYNDROME. Identifiers: Orphanet 193, MedGen C0265223, MONDO:0008999, OMIM 216550.

Submission:

Labcorp Genetics (formerly Invitae), Labcorp
Classification: Likely pathogenic for Cohen syndrome. Last evaluated: 2022-06-17. Review status: criteria provided, single submitter. Criteria: Invitae Variant Classification Sherloc (09022015). Collection method: clinical testing. Allele origin: unknown.
Comment: In summary, the currently available evidence indicates that the variant is pathogenic, but additional data are needed to prove that conclusively. Therefore, this variant has been classified as Likely Pathogenic. ClinVar contains an entry for this variant (Variation ID: 639619). This variant has not been reported in the literature in individuals affected with VPS13B-related conditions. This variant results in the deletion of part of exon 24 (c.3446-388_3457del) of the VPS13B gene. It is expected to disrupt RNA splicing. Variants that disrupt the donor or acceptor splice site typically lead to a loss of protein function (PMID: 16199547), and loss-of-function variants in VPS13B are known to be pathogenic (PMID: 15141358, 16648375, 20461111).

Literature cited by the submitters: PubMed 16199547; PubMed 15141358; PubMed 16648375; PubMed 20461111.